The following is an entry in ClinVar:

ClinVar aggregate classification (germline): Uncertain significance (1 of 4 stars; one submission).

Allele frequency attached by ClinVar (database versions not stated): gnomAD 0.00001; gnomAD exomes 0.00001; TOPMed 0.00002; ExAC 0.00003; ESP Exome Variant Server 0.00008.
gnomAD v4.1: 10 of 1,612,898 alleles (0.00062%); highest among the groups gnomAD compares: Middle Eastern, 0.016%; no homozygotes.

Submissions (2):

Labcorp Genetics (formerly Invitae), Labcorp
Classification: Uncertain significance. Last evaluated: 2022-07-19. Review status: criteria provided, single submitter. Criteria: Invitae Variant Classification Sherloc (09022015). Collection method: clinical testing. Allele origin: germline.
Comment: In summary, the available evidence is currently insufficient to determine the role of this variant in disease. Therefore, it has been classified as a Variant of Uncertain Significance. Algorithms developed to predict the effect of sequence changes on RNA splicing suggest that this variant may create or strengthen a splice site. Algorithms developed to predict the effect of missense changes on protein structure and function are either unavailable or do not agree on the potential impact of this missense change (SIFT: "Deleterious"; PolyPhen-2: "Benign"; Align-GVGD: "Class C0"). ClinVar contains an entry for this variant (Variation ID: 1435280). This variant has not been reported in the literature in individuals affected with HACE1-related conditions. This variant is present in population databases (rs374813736, gnomAD 0.003%). This sequence change replaces alanine, which is neutral and non-polar, with valine, which is neutral and non-polar, at codon 738 of the HACE1 protein (p.Ala738Val).

Dr. Peter K. Rogan Lab, Western University
No classification provided (evidence only). Condition: Pancreatic adenocarcinoma. Review status: no classification provided. Collection method: in vitro. Allele origin: not applicable. Functional consequence: retained intron. Not counted in ClinVar's aggregate classification.

NM_020771.4(HACE1):c.2213C>T (p.Ala738Val)

Gene: HACE1 (HECT domain and ankyrin repeat containing E3 ubiquitin protein ligase 1; minus strand). Cytogenetic location: 6q16.3.
Variant type: single nucleotide variant.
Coding change: c.2213C>T on transcript NM_020771.4 (MANE Select); coding-DNA position 2213, C replaced by T.
Protein change: p.Ala738Val; replaces alanine 738 with valine.
Molecular consequence: missense variant. On other transcripts: non-coding transcript variant (7).
Genome position (GRCh38, 1-based): chr6:104,750,471, G>A on the plus strand (C>T on the coding strand, the complement: HACE1 is on the minus strand). VCF-style: chr6-104750471-G-A. GRCh37 (hg19) VCF-style: chr6-105198346-G-A.
Other names: c.2081C>T, p.Ala694Val (NM_001321080.2); c.2111C>T, p.Ala704Val (NM_001321083.2); c.1709C>T, p.Ala570Val (NM_001321084.2, NM_001350557.2, NM_001350558.2); c.1979C>T, p.Ala660Val (NM_001350554.2); c.1922C>T, p.Ala641Val (NM_001350555.2); c.1727C>T, p.Ala576Val (NM_001350556.2); c.1631C>T, p.Ala544Val (NM_001350559.2); c.1430C>T, p.Ala477Val (NM_001350560.2); short protein forms A704V, A477V, A576V, A694V, A544V, A570V, A641V, A660V.
Identifiers: ClinVar variation 1435280 (VCV001435280.7), dbSNP rs374813736, ClinGen allele CA3940060.
Genomic context (GRCh38, chr6:104,750,471, plus strand): 5'-TTGATCTGAGGCTGAATGGCTCTTGTCATTCGAAGTTCAGTAACAAGCTGGACGTACTCC[G>A]CCTGTTGAAAAAGAAGTTTTCATGATGACTTTTCAAAAACCTTTTACATACTTAATGTTA-3'
Protein context (NP_065822.2, residues 728-748): GSILVTQNNK[Ala738Val]EYVQLVTELR